The following is an entry in ClinVar:

NM_000465.4(BARD1):c.504A>G (p.Ala168=)

Gene: BARD1 (BRCA1 associated RING domain 1; minus strand). Cytogenetic location: 2q35.
Variant type: single nucleotide variant.
Coding change: c.504A>G on transcript NM_000465.4 (MANE Select); coding-DNA position 504, A replaced by G.
Protein change: p.Ala168=; no amino-acid change (alanine 168 retained).
Molecular consequence: synonymous variant. On other transcripts: non-coding transcript variant (2), intron variant (3).
Genome position (GRCh38, 1-based): chr2:214,781,370, T>C on the plus strand (A>G on the coding strand, the complement: BARD1 is on the minus strand). VCF-style: chr2-214781370-T-C. GRCh37 (hg19) VCF-style: chr2-215646094-T-C.
Other names: c.447A>G, p.Ala149= (NM_001282543.2); c.158+28042A>G (NM_001282548.2); c.215+15691A>G (NM_001282545.2); c.364+10927A>G (NM_001282549.2); c.504A>G (NM_000465.2).
Identifiers: ClinVar variation 922170 (VCV000922170.6), dbSNP rs1695023375, ClinGen allele CA431135707.

ClinVar aggregate classification (germline): Benign/Likely benign. Review status: criteria provided, multiple submitters, no conflicts (2 of 4 stars). 4 submissions from 4 submitters: Benign (1); Likely benign (3). Last evaluated 2025-06-12.

Conditions:
Hereditary cancer-predisposing syndrome. Also called: Neoplastic Syndromes, Hereditary; Tumor predisposition; Hereditary Cancer Syndrome; Hereditary neoplastic syndrome. Identifiers: Orphanet 140162, MedGen C0027672, MeSH D009386, MONDO:0015356.
Familial cancer of breast. Also called: BREAST CANCER, FAMILIAL; hereditary breast carcinoma; Hereditary breast cancer. Identifiers: Orphanet 227535, MedGen C0346153, MONDO:0016419, OMIM 114480. Disease mechanism: loss of function.

Submissions (4):

Labcorp Genetics (formerly Invitae), Labcorp
Classification: Likely benign for Familial cancer of breast. Last evaluated: 2025-06-12. Review status: criteria provided, single submitter. Criteria: Invitae Variant Classification Sherloc (09022015). Collection method: clinical testing. Allele origin: germline.

Myriad Genetics, Inc.
Classification: Benign for Familial cancer of breast. Last evaluated: 2024-07-22. Review status: criteria provided, single submitter. Criteria: Myriad Autosomal Dominant, Autosomal Recessive and X-Linked Classification Criteria (2023). Collection method: clinical testing. Allele origin: unknown.
Comment: This variant is considered benign. This variant is a silent/synonymous amino acid change and it is not expected to impact splicing.

Ambry Genetics
Classification: Likely benign for Hereditary cancer-predisposing syndrome. Last evaluated: 2021-06-11. Review status: criteria provided, single submitter. Criteria: Ambry Variant Classification Scheme 2023. Collection method: clinical testing. Allele origin: germline.

Color Diagnostics, LLC DBA Color Health
Classification: Likely benign for Hereditary cancer-predisposing syndrome. Last evaluated: 2018-10-24. Review status: criteria provided, single submitter. Criteria: ACMG Guidelines, 2015. Collection method: clinical testing. Allele origin: germline.